The following is an entry in ClinVar:

ClinVar aggregate classification (germline): Uncertain significance (1 of 4 stars; one submission).

gnomAD v4.1: 41 of 1,614,090 alleles (0.0025%); highest among the groups gnomAD compares: Middle Eastern, 0.016%; no homozygotes.

Submission:

Labcorp Genetics (formerly Invitae), Labcorp
Classification: Uncertain significance. Last evaluated: 2025-12-24. Review status: criteria provided, single submitter. Criteria: Invitae Variant Classification Sherloc (09022015). Collection method: clinical testing. Allele origin: germline.
Comment: This sequence change replaces lysine, which is basic and polar, with arginine, which is basic and polar, at codon 3787 of the FAT4 protein (p.Lys3787Arg). This variant is present in population databases (no rsID available, gnomAD 0.004%). This variant has not been reported in the literature in individuals affected with FAT4-related conditions. Invitae Evidence Modeling of protein sequence and biophysical properties (such as structural, functional, and spatial information, amino acid conservation, physicochemical variation, residue mobility, and thermodynamic stability) indicates that this missense variant is not expected to disrupt FAT4 protein function with a negative predictive value of 95%. In summary, the available evidence is currently insufficient to determine the role of this variant in disease. Therefore, it has been classified as a Variant of Uncertain Significance.

NM_001291303.3(FAT4):c.11366A>G (p.Lys3789Arg)

Gene: FAT4 (FAT atypical cadherin 4; plus strand). Cytogenetic location: 4q28.1.
Variant type: single nucleotide variant.
Coding change: c.11366A>G on transcript NM_001291303.3 (MANE Select); coding-DNA position 11366, A replaced by G.
Protein change: p.Lys3789Arg; replaces lysine 3789 with arginine.
Molecular consequence: missense variant.
Genome position (GRCh38, 1-based): chr4:125,452,376, A>G. VCF-style: chr4-125452376-A-G. GRCh37 (hg19) VCF-style: chr4-126373531-A-G.
Other names: c.11366A>G, p.Lys3789Arg (NM_001291285.3, NM_001438396.1, NM_001438397.1); c.6137A>G, p.Lys2046Arg (NM_001437895.1); c.11360A>G, p.Lys3787Arg (NM_024582.6); short protein forms K3787R, K2046R, K3789R.
Identifiers: ClinVar variation 4708189 (VCV004708189.1).